The following is an entry in ClinVar:

ClinVar aggregate classification (germline): Uncertain significance. Review status: criteria provided, multiple submitters, no conflicts (2 of 4 stars). 3 submissions from 3 submitters: Uncertain significance (3). Last evaluated 2025-01-07.

Conditions:
Inborn genetic diseases. Identifiers: MedGen C0950123, MeSH D030342.

Submissions (3):

Ambry Genetics
Classification: Uncertain significance for Inborn genetic diseases. Last evaluated: 2025-01-07. Review status: criteria provided, single submitter. Criteria: Ambry Variant Classification Scheme 2023. Collection method: clinical testing. Allele origin: germline.

Blueprint Genetics
Classification: Uncertain significance. Last evaluated: 2022-11-05. Review status: criteria provided, single submitter. Criteria: ACMG Guidelines, 2015. Collection method: clinical testing. Allele origin: germline.

Labcorp Genetics (formerly Invitae), Labcorp
Classification: Uncertain significance. Last evaluated: 2022-08-24. Review status: criteria provided, single submitter. Criteria: Invitae Variant Classification Sherloc (09022015). Collection method: clinical testing. Allele origin: germline.
Comment: Algorithms developed to predict the effect of missense changes on protein structure and function are either unavailable or do not agree on the potential impact of this missense change (SIFT: "Tolerated"; PolyPhen-2: "Possibly Damaging"; Align-GVGD: "Class C0"). This variant has not been reported in the literature in individuals affected with ATR-related conditions. This variant is not present in population databases (gnomAD no frequency). This sequence change replaces glutamic acid, which is acidic and polar, with lysine, which is basic and polar, at codon 1050 of the ATR protein (p.Glu1050Lys). In summary, the available evidence is currently insufficient to determine the role of this variant in disease. Therefore, it has been classified as a Variant of Uncertain Significance.

NM_001184.4(ATR):c.3148G>A (p.Glu1050Lys)

Gene: ATR (ATR checkpoint kinase; minus strand). Cytogenetic location: 3q23.
Variant type: single nucleotide variant.
Coding change: c.3148G>A on transcript NM_001184.4 (MANE Select); coding-DNA position 3148, G replaced by A.
Protein change: p.Glu1050Lys; replaces glutamic acid 1050 with lysine.
Molecular consequence: missense variant.
Genome position (GRCh38, 1-based): chr3:142,549,502, C>T on the plus strand (G>A on the coding strand, the complement: ATR is on the minus strand). VCF-style: chr3-142549502-C-T. GRCh37 (hg19) VCF-style: chr3-142268344-C-T.
Other names: c.2956G>A, p.Glu986Lys (NM_001354579.2); short protein forms E1050K, E986K.
Identifiers: ClinVar variation 1728148 (VCV001728148.8), dbSNP rs2473363608, ClinGen allele CA354812194.